The following is an entry in ClinVar:

ClinVar aggregate classification (germline): Pathogenic/Likely pathogenic. Review status: criteria provided, multiple submitters, no conflicts (2 of 4 stars). 2 submissions from 2 submitters: Pathogenic (1); Likely pathogenic (1). Last evaluated 2024-07-26.

Conditions:
Early-infantile DEE. Also called: Ohtahara syndrome; Early infantile epileptic encephalopathy with suppression bursts; Early infantile epileptic encephalopathy. Identifiers: Orphanet 1934, MedGen C0393706, MONDO:0800491.

Submissions (2):

Labcorp Genetics (formerly Invitae), Labcorp
Classification: Likely pathogenic for Early-infantile DEE. Last evaluated: 2024-07-26. Review status: criteria provided, single submitter. Criteria: Invitae Variant Classification Sherloc (09022015). Collection method: clinical testing. Allele origin: germline.
Comment: This sequence change replaces cysteine, which is neutral and slightly polar, with phenylalanine, which is neutral and non-polar, at codon 345 of the SCN1A protein (p.Cys345Phe). This variant is not present in population databases (gnomAD no frequency). This variant has not been reported in the literature in individuals affected with SCN1A-related conditions. ClinVar contains an entry for this variant (Variation ID: 373136). Advanced modeling of protein sequence and biophysical properties (such as structural, functional, and spatial information, amino acid conservation, physicochemical variation, residue mobility, and thermodynamic stability) performed at Invitae indicates that this missense variant is expected to disrupt SCN1A protein function with a positive predictive value of 95%. This variant disrupts the p.Cys345 amino acid residue in SCN1A. Other variant(s) that disrupt this residue have been determined to be pathogenic (PMID: 18930999). This suggests that this residue is clinically significant, and that variants that disrupt this residue are likely to be disease-causing. In summary, the currently available evidence indicates that the variant is pathogenic, but additional data are needed to prove that conclusively. Therefore, this variant has been classified as Likely Pathogenic.

GeneDx
Classification: Pathogenic. Last evaluated: 2016-11-14. Review status: criteria provided, single submitter. Criteria: GeneDx Variant Classification (06012015). Collection method: clinical testing. Allele origin: germline. Affected: yes.
Comment: The confirmed de novo C345F variant in the SCN1A gene has not been reported previously as a pathogenic variant, nor as a benign variant, to our knowledge. This variant is not observed in large population cohorts (Lek et al., 2016; McVean et al., 2012; Exome Variant Server) It is a non-conservative amino acid substitution that alters a conserved position in the predicted pore forming loop between the S5 and S6 transmembrane segments of the first homologous domain. A different missense substitution at the same position (C345R) has published as an assumed de novo variant in a patient with Dravet syndrome (Depienne et al., 2009), supporting the functional importance of this position in the protein. In silico analysis predicts the C345F variant is probably damaging to the protein structure/function. Therefore, we interpret C345F as a pathogenic variant.

Literature cited by the submitters: PubMed 18930999 (cited by Labcorp Genetics (formerly Invitae), Labcorp).

NM_001165963.4(SCN1A):c.1034G>T (p.Cys345Phe)

Gene: SCN1A (sodium voltage-gated channel alpha subunit 1; minus strand). Cytogenetic location: 2q24.3.
Variant type: single nucleotide variant.
Coding change: c.1034G>T on transcript NM_001165963.4 (MANE Select); coding-DNA position 1034, G replaced by T.
Protein change: p.Cys345Phe; replaces cysteine 345 with phenylalanine.
Molecular consequence: missense variant. On other transcripts: 5 prime UTR variant (1), non-coding transcript variant (1).
Genome position (GRCh38, 1-based): chr2:166,047,763, C>A on the plus strand (G>T on the coding strand, the complement: SCN1A is on the minus strand). VCF-style: chr2-166047763-C-A. GRCh37 (hg19) VCF-style: chr2-166904273-C-A.
Other names: c.1034G>T, p.Cys345Phe (NM_001165964.3, NM_001202435.3, NM_001353948.2 and 10 more transcripts); c.-1392G>T (NM_001353961.2); short protein forms C345F.
Identifiers: ClinVar variation 373136 (VCV000373136.4), dbSNP rs1057518243, ClinGen allele CA16042370.
Genomic context (GRCh38, chr2:166,047,763, plus strand): 5'-AAGCTTGTGTAGCCATAATTGGGATTTCTACCAGCTTTCACACACATATATCCCTCTGGA[C>A]ATTGGCTGCAAGTGGGGTAAAAGAAAGTATTACAAGTCGTTCTGCTGCCTTTTTACTCTG-3'
Protein context (NP_001159435.1, residues 335-355): LCGNSSDAGQ[Cys345Phe]PEGYMCVKAG